The following is an entry in ClinVar:

ClinVar aggregate classification (germline): Uncertain significance (1 of 4 stars; one submission).

Submission:

GeneDx
Classification: Uncertain significance. Last evaluated: 2024-05-23. Review status: criteria provided, single submitter. Criteria: GeneDx Variant Classification Process June 2021. Collection method: clinical testing. Allele origin: germline. Affected: yes.
Comment: Not observed at significant frequency in large population cohorts (gnomAD); In silico analysis indicates that this missense variant does not alter protein structure/function; Has not been previously published as pathogenic or benign to our knowledge

NM_003239.5(TGFB3):c.583G>A (p.Gly195Ser)

Gene: TGFB3 (transforming growth factor beta 3; minus strand). Cytogenetic location: 14q24.3.
Variant type: single nucleotide variant.
Coding change: c.583G>A on transcript NM_003239.5 (MANE Select); coding-DNA position 583, G replaced by A.
Protein change: p.Gly195Ser; replaces glycine 195 with serine.
Molecular consequence: missense variant.
Genome position (GRCh38, 1-based): chr14:75,971,189, C>T on the plus strand (G>A on the coding strand, the complement: TGFB3 is on the minus strand). VCF-style: chr14-75971189-C-T. GRCh37 (hg19) VCF-style: chr14-76437532-C-T.
Other names: c.583G>A, p.Gly195Ser (NM_001329938.2, NM_001329939.2); short protein forms G195S.
Identifiers: ClinVar variation 3381636 (VCV003381636.1).
Genomic context (GRCh38, chr14:75,971,189, plus strand): 5'-TTCTCAACAGCCACTCACGCACAGTGTCAGTGACATCAAAGGACAGCCACTCGGCAGTGC[C>T]CCGTGTGGGCAGATTCTTGCCACCGATATAGCGCTGTTTGGCAATGTGCTCATCTGGCCG-3'
Protein context (NP_003230.1, residues 185-205): YIGGKNLPTR[Gly195Ser]TAEWLSFDVT